The following is an entry in ClinVar:

ClinVar aggregate classification (germline): Uncertain significance (1 of 4 stars; one submission).

Conditions:
Developmental and epileptic encephalopathy 94 (DEE94). Also called: CHD2-Related Neurodevelopmental Disorders; Epileptic encephalopathy, childhood-onset. Identifiers: Orphanet 1942, Orphanet 2382, MedGen C3809278, MONDO:0014150, OMIM 615369.

Allele frequency attached by ClinVar (database versions not stated): TOPMed below 0.00001; gnomAD 0.00001; ExAC 0.00002.
gnomAD v4.1: 7 of 1,613,908 alleles (0.00043%); highest among the groups gnomAD compares: Non-Finnish European, 0.00051%; no homozygotes.

Submission:

Labcorp Genetics (formerly Invitae), Labcorp
Classification: Uncertain significance for Developmental and epileptic encephalopathy 94. Last evaluated: 2024-10-23. Review status: criteria provided, single submitter. Criteria: Invitae Variant Classification Sherloc (09022015). Collection method: clinical testing. Allele origin: germline.
Comment: This sequence change replaces asparagine, which is neutral and polar, with serine, which is neutral and polar, at codon 1647 of the CHD2 protein (p.Asn1647Ser). This variant is present in population databases (rs757580823, gnomAD 0.002%). This variant has not been reported in the literature in individuals affected with CHD2-related conditions. ClinVar contains an entry for this variant (Variation ID: 2160654). Invitae Evidence Modeling of protein sequence and biophysical properties (such as structural, functional, and spatial information, amino acid conservation, physicochemical variation, residue mobility, and thermodynamic stability) indicates that this missense variant is not expected to disrupt CHD2 protein function with a negative predictive value of 95%. In summary, the available evidence is currently insufficient to determine the role of this variant in disease. Therefore, it has been classified as a Variant of Uncertain Significance.

NM_001271.4(CHD2):c.4940A>G (p.Asn1647Ser)

Gene: CHD2 (chromodomain helicase DNA binding protein 2; plus strand). Cytogenetic location: 15q26.1.
Variant type: single nucleotide variant.
Coding change: c.4940A>G on transcript NM_001271.4 (MANE Select); coding-DNA position 4940, A replaced by G.
Protein change: p.Asn1647Ser; replaces asparagine 1647 with serine.
Molecular consequence: missense variant.
Genome position (GRCh38, 1-based): chr15:93,020,045, A>G. VCF-style: chr15-93020045-A-G. GRCh37 (hg19) VCF-style: chr15-93563275-A-G.
Other names: short protein forms N1647S.
Identifiers: ClinVar variation 2160654 (VCV002160654.4), dbSNP rs757580823, ClinGen allele CA7748605.